The following is an entry in ClinVar:

ClinVar aggregate classification (germline): Uncertain significance. Review status: criteria provided, multiple submitters, no conflicts (2 of 4 stars). 2 submissions from 2 submitters: Uncertain significance (2). Last evaluated 2024-05-01.

Conditions:
Hereditary cancer-predisposing syndrome. Also called: Neoplastic Syndromes, Hereditary; Hereditary Cancer Syndrome; Hereditary neoplastic syndrome; Tumor predisposition. Identifiers: Orphanet 140162, MedGen C0027672, MeSH D009386, MONDO:0015356.
Multiple endocrine neoplasia, type 2 (MEN2). Identifiers: Orphanet 653, MedGen C4048306, MONDO:0019003. Disease mechanism: gain of function.

Submissions (2):

Labcorp Genetics (formerly Invitae), Labcorp
Classification: Uncertain significance for Multiple endocrine neoplasia, type 2. Last evaluated: 2024-05-01. Review status: criteria provided, single submitter. Criteria: Invitae Variant Classification Sherloc (09022015). Collection method: clinical testing. Allele origin: germline.
Comment: This sequence change replaces serine, which is neutral and polar, with arginine, which is basic and polar, at codon 406 of the RET protein (p.Ser406Arg). This variant is not present in population databases (gnomAD no frequency). This variant has not been reported in the literature in individuals affected with RET-related conditions. ClinVar contains an entry for this variant (Variation ID: 2562597). Algorithms developed to predict the effect of missense changes on protein structure and function output the following: SIFT: "Not Available"; PolyPhen-2: "Benign"; Align-GVGD: "Not Available". The arginine amino acid residue is found in multiple mammalian species, which suggests that this missense change does not adversely affect protein function. In summary, the available evidence is currently insufficient to determine the role of this variant in disease. Therefore, it has been classified as a Variant of Uncertain Significance.

Ambry Genetics
Classification: Uncertain significance for Hereditary cancer-predisposing syndrome. Last evaluated: 2023-05-21. Review status: criteria provided, single submitter. Criteria: Ambry Variant Classification Scheme 2023. Collection method: clinical testing. Allele origin: germline.
Comment: The p.S406R variant (also known as c.1216A>C), located in coding exon 6 of the RET gene, results from an A to C substitution at nucleotide position 1216. The serine at codon 406 is replaced by arginine, an amino acid with dissimilar properties. This amino acid position is conserved. In addition, this alteration is predicted to be tolerated by in silico analysis. Since supporting evidence is limited at this time, the clinical significance of this alteration remains unclear.

NM_020975.6(RET):c.1216A>C (p.Ser406Arg)

Gene: RET (ret proto-oncogene; plus strand). Cytogenetic location: 10q11.21.
Variant type: single nucleotide variant.
Coding change: c.1216A>C on transcript NM_020975.6 (MANE Select); coding-DNA position 1216, A replaced by C.
Protein change: p.Ser406Arg; replaces serine 406 with arginine.
Molecular consequence: missense variant. On other transcripts: intron variant (18).
Genome position (GRCh38, 1-based): chr10:43,109,183, A>C. VCF-style: chr10-43109183-A-C. GRCh37 (hg19) VCF-style: chr10-43604631-A-C.
Other names: c.868-2024A>C (NM_001406772.1, NM_001406769.1); c.626-2916A>C (NM_001406782.1, NM_001406780.1, NM_001406779.1 and 3 more transcripts); c.739-2024A>C (NM_001406774.1); c.497-2916A>C (NM_001406786.1, NM_001406783.1); c.338-2916A>C (NM_001406790.1, NM_001406788.1, NM_001406789.1 and 1 more transcripts); c.74-2916A>C (NM_001406794.1, NM_001406792.1, NM_001406793.1); c.1216A>C, p.Ser406Arg (NM_000323.2, NM_001406743.1, NM_001406744.1 and 6 more transcripts); c.454A>C, p.Ser152Arg (NM_001355216.2); and 5 more; short protein forms S260R, S76R, S310R, S152R, S164R, S406R, S363R.
Identifiers: ClinVar variation 2562597 (VCV002562597.5), dbSNP rs756532455, ClinGen allele CA376547855.